The following is an entry in ClinVar:

NM_003611.3(OFD1):c.21G>A (p.Met7Ile)

Genes: OFD1 (OFD1 centriole and centriolar satellite protein; plus strand), LOC126863212 (CDK7 strongly-dependent group 2 enhancer GRCh37_chrX:13752241-13753440; plus strand). Cytogenetic location: Xp22.2.
Variant type: single nucleotide variant.
Coding change: c.21G>A on transcript NM_003611.3 (MANE Select); coding-DNA position 21, G replaced by A.
Protein change: p.Met7Ile; replaces methionine 7 with isoleucine.
Molecular consequence: missense variant. On other transcripts: 5 prime UTR variant (1).
Genome position (GRCh38, 1-based): chrX:13,735,256, G>A. VCF-style: chrX-13735256-G-A. GRCh37 (hg19) VCF-style: chrX-13753375-G-A.
Other names: c.21G>A, p.Met7Ile (NM_001330209.2, NM_001440947.1, NM_001440948.1); c.-525G>A (NM_001330210.2); short protein forms M7I.
Identifiers: ClinVar variation 4787196 (VCV004787196.1).
Genomic context (GRCh38, chrX:13,735,256, plus strand): 5'-CGTTCACGTTCCCTCTGCCCCGCAGGTAACCTATAACCATTTTGTCTTTTAGTCCAACAT[G>A]TTTACCGTGGCTGATGTGTTGAGTCAAGATGAACTGCGCAAAAAGCTATACCAGACGTTT-3'
Protein context (NP_003602.1, residues 1-17): MMAQSN[Met7Ile]FTVADVLSQD

ClinVar aggregate classification (germline): Uncertain significance (1 of 4 stars; one submission).

Conditions:
Joubert syndrome. Also called: Familial aplasia of the vermis; JOUBERT-BOLTSHAUSER SYNDROME; CEREBELLOPARENCHYMAL DISORDER IV. Identifiers: Orphanet 475, MedGen C5979921, MONDO:0018772.
Orofaciodigital syndrome I (OFD1). Also called: Papillon-Leage and Psaume Syndrome; OFDS I; Oral-Facial-Digital Syndrome Type I. Identifiers: Orphanet 2750, MedGen C1510460, MONDO:0010702, OMIM 311200.

Submission:

Labcorp Genetics (formerly Invitae), Labcorp
Classification: Uncertain significance for Orofaciodigital syndrome I; Joubert syndrome. Last evaluated: 2026-01-11. Review status: criteria provided, single submitter. Criteria: Invitae Variant Classification Sherloc (09022015). Collection method: clinical testing. Allele origin: germline.
Comment: This sequence change replaces methionine, which is neutral and non-polar, with isoleucine, which is neutral and non-polar, at codon 7 of the OFD1 protein (p.Met7Ile). This variant is not present in population databases (gnomAD no frequency). This variant has not been reported in the literature in individuals affected with OFD1-related conditions. An algorithm developed to predict the effect of missense changes on protein structure and function (PolyPhen-2) suggests that this variant is likely to be disruptive. In summary, the available evidence is currently insufficient to determine the role of this variant in disease. Therefore, it has been classified as a Variant of Uncertain Significance.